The following is an entry in ClinVar:

ClinVar aggregate classification (germline): Uncertain significance. Review status: criteria provided, multiple submitters, no conflicts (2 of 4 stars). 4 submissions from 4 submitters: Uncertain significance (3). 1 of the submissions does not count toward it. Last evaluated 2026-06-18.

Conditions:
Inborn genetic diseases. Identifiers: MedGen C0950123, MeSH D030342.
VPS13B-related disorder. Also called: VPS13B-related condition.
Cohen syndrome (COH1). Also called: PEPPER SYNDROME; Cutis verticis gyrata, retinitis pigmentosa, and sensorineural deafness. Identifiers: Orphanet 193, MedGen C0265223, MONDO:0008999, OMIM 216550.

Allele frequency attached by ClinVar (database versions not stated): gnomAD 0.00002 and 0.00003; TOPMed 0.00006; ExAC 0.00007; gnomAD exomes 0.00009; 1000 Genomes Project 0.00020; 1000 Genomes Project 30x 0.00031.
gnomAD v4.1: 95 of 1,613,964 alleles (0.0059%); highest among the groups gnomAD compares: Admixed American, 0.027%; no homozygotes.

Submissions (4):

PreventionGenetics, part of Exact Sciences
Classification: Uncertain significance for VPS13B-related condition. Last evaluated: 2026-06-18. Review status: criteria provided, single submitter. Criteria: ACMG Guidelines, 2015. Collection method: clinical testing. Allele origin: germline.
Comment: The VPS13B c.8011G>A variant is predicted to result in the amino acid substitution p.Gly2671Arg. To our knowledge, this variant has not been reported in the literature. This variant is reported in 0.040% of alleles in individuals of Latino descent in gnomAD. At this time, the clinical significance of this variant is uncertain due to the absence of conclusive functional and genetic evidence.

Ambry Genetics
Classification: Uncertain significance for Inborn genetic diseases. Last evaluated: 2025-07-15. Review status: criteria provided, single submitter. Criteria: Ambry Variant Classification Scheme 2023. Collection method: clinical testing. Allele origin: germline.

Labcorp Genetics (formerly Invitae), Labcorp
Classification: Uncertain significance for Cohen syndrome. Last evaluated: 2022-10-17. Review status: criteria provided, single submitter. Criteria: Invitae Variant Classification Sherloc (09022015). Collection method: clinical testing. Allele origin: germline.
Comment: This sequence change replaces glycine, which is neutral and non-polar, with arginine, which is basic and polar, at codon 2696 of the VPS13B protein (p.Gly2696Arg). This variant is present in population databases (rs568716604, gnomAD 0.04%). This variant has not been reported in the literature in individuals affected with VPS13B-related conditions. ClinVar contains an entry for this variant (Variation ID: 964864). Advanced modeling of protein sequence and biophysical properties (such as structural, functional, and spatial information, amino acid conservation, physicochemical variation, residue mobility, and thermodynamic stability) performed at Invitae indicates that this missense variant is expected to disrupt VPS13B protein function. In summary, the available evidence is currently insufficient to determine the role of this variant in disease. Therefore, it has been classified as a Variant of Uncertain Significance.

Natera, Inc.
Classification: Uncertain significance for Cohen syndrome. Last evaluated: 2020-01-14. Review status: no assertion criteria provided. Collection method: clinical testing. Allele origin: germline. Not counted in ClinVar's aggregate classification.

NM_152564.5(VPS13B):c.8011G>A (p.Gly2671Arg)

Gene: VPS13B (vacuolar protein sorting 13 homolog B; plus strand). Cytogenetic location: 8q22.2.
Variant type: single nucleotide variant.
Coding change: c.8011G>A on transcript NM_152564.5 (MANE Select); coding-DNA position 8011, G replaced by A.
Protein change: p.Gly2671Arg; replaces glycine 2671 with arginine.
Molecular consequence: missense variant.
Genome position (GRCh38, 1-based): chr8:99,809,444, G>A. VCF-style: chr8-99809444-G-A. GRCh37 (hg19) VCF-style: chr8-100821672-G-A.
Other names: c.8086G>A (NM_017890.3); c.8011G>A (NM_152564.4); c.8086G>A, p.Gly2696Arg (NM_017890.5); short protein forms G2696R, G2671R.
Identifiers: ClinVar variation 964864 (VCV000964864.10), dbSNP rs568716604, ClinGen allele CA4824365.